The following is an entry in ClinVar:

GRCh37/hg19 8p23.1(chr8:8093169-11936001)x1

Genes: C8orf74 (chromosome 8 open reading frame 74), CLDN23 (claudin 23), FAM167A (family with sequence similarity 167 member A), BLK (BLK proto-oncogene, Src family tyrosine kinase), CTSB (cathepsin B) and 20 more. Cytogenetic location: 8p23.1.
Variant type: copy number loss.
Change: copy number 1 (one copy instead of two) of chr8:8,093,169-11,936,001 (3.84 Mb, GRCh37 coordinates, 1-based), cytogenetic band 8p23.1.
Identifiers: ClinVar variation 815086 (VCV000815086.2).

ClinVar aggregate classification (germline): Pathogenic (1 of 4 stars; one submission).

Submission:

Quest Diagnostics Nichols Institute San Juan Capistrano
Classification: Pathogenic. Last evaluated: 2023-06-05. Review status: criteria provided, single submitter. Criteria: ACMG/ClinGen CNV Guidelines, 2019. Collection method: clinical testing. Allele origin: unknown.
Comment: The copy number loss of 8p23.1 involves multiple genes, including GATA4 (OMIM 600576). Terminal deletions of 8p have been reported in patients with variable phenotypes (Burnside RD, et al., Am J Med Genet A. 2013 Apr;161A(4):822-8. PMID: 23495222; de Vries, et al., Am J Med Genet. 2001 Apr 1;99(4):314-9. PMID: 11251999). This deletion is consistent with 8p23.1 microdeletion syndrome (Arghir et al., Clin Case Rep. 2020 Nov 12;9(1):314-321. PMID: 33505690, Cosemans et al., Neurogenetics. 2021 Jul;22(3):207-213. PMID: 33683518, Kessi et al., Front Neurol. 2018 Nov 19;9:947. PMID: 30510536). Haploinsufficiency of GATA4 is associated with autosomal dominant atrial septal defect-2 (OMIM 607941, Wat, et al., Am J Med Genet A. 2009 Aug;149A(8):1661-77. PMID: 19606479. Shimokawa, et al., Am J Med Genet A. 2005;136;49-51. PMID: 15937941). Thus, this copy number variant (CNV) is classified as pathogenic.